The following is an entry in ClinVar:

NM_001105206.3(LAMA4):c.1357+4G>T

Gene: LAMA4 (laminin subunit alpha 4; minus strand). Cytogenetic location: 6q21.
Variant type: single nucleotide variant.
Coding change: c.1357+4G>T on transcript NM_001105206.3 (MANE Select); 4 bases into the intron after coding-DNA position 1357, G replaced by T.
Molecular consequence: intron variant.
Genome position (GRCh38, 1-based): chr6:112,175,309, C>A on the plus strand (G>T on the coding strand, the complement: LAMA4 is on the minus strand). VCF-style: chr6-112175309-C-A. GRCh37 (hg19) VCF-style: chr6-112496511-C-A.
Other names: c.1336+4G>T (NM_002290.5, NM_001105207.3).
Identifiers: ClinVar variation 44343 (VCV000044343.21), dbSNP rs6917763, ClinGen allele CA282359.
Genomic context (GRCh38, chr6:112,175,309, plus strand): 5'-CTGCTATTGGACCCACAAAGAGGGCAAACATGTGCTGGGTCAGCTATGAGAGGAATACAC[C>A]TACGTTCGTAAGCCTCATCTGCCTCCTCATCCACGAGCTCCCGTTGGGTGAAAAATGGTT-3'

ClinVar aggregate classification (germline): Benign. Review status: criteria provided, multiple submitters, no conflicts (2 of 4 stars). 8 submissions from 8 submitters: Benign (5). 3 of the submissions do not count toward it. Last evaluated 2026-02-03.

Conditions:
Dilated cardiomyopathy 1JJ (CMD1JJ). Identifiers: Orphanet 154, MedGen C3808935, MONDO:0014095, OMIM 615235.

Allele frequency attached by ClinVar (database versions not stated): gnomAD 0.07821 and 0.07350; ESP Exome Variant Server 0.08419; TOPMed 0.07843; 1000 Genomes Project 0.08127; ExAC 0.03150; 1000 Genomes Project 30x 0.09072.
gnomAD v4.1: 35,270 of 1,613,590 alleles (2.2%); highest among the groups gnomAD compares: African/African-American, 23%; 2,251 homozygotes.

Submissions (8):

Labcorp Genetics (formerly Invitae), Labcorp
Classification: Benign for Dilated cardiomyopathy 1JJ. Last evaluated: 2026-02-03. Review status: criteria provided, single submitter. Criteria: Invitae Variant Classification Sherloc (09022015). Collection method: clinical testing. Allele origin: germline.

Women's Health and Genetics/Laboratory Corporation of America, LabCorp
Classification: Benign. Last evaluated: 2023-07-29. Review status: criteria provided, single submitter. Criteria: LabCorp Variant Classification Summary - May 2015. Collection method: clinical testing. Allele origin: germline.

GeneDx
Classification: Benign. Last evaluated: 2014-01-24. Review status: criteria provided, single submitter. Criteria: GeneDx Variant Classification (06012015). Collection method: clinical testing. Allele origin: germline. Affected: yes.
Comment: This variant is considered likely benign or benign based on one or more of the following criteria: it is a conservative change, it occurs at a poorly conserved position in the protein, it is predicted to be benign by multiple in silico algorithms, and/or has population frequency not consistent with disease.

Laboratory for Molecular Medicine, Mass General Brigham Personalized Medicine
Classification: Benign. Last evaluated: 2011-12-01. Review status: criteria provided, single submitter. Criteria: LMM Criteria. Collection method: clinical testing. Allele origin: germline. Observed: 158 variant alleles.
Comment: This variant is considered to be benign based on its high population frequency ( rs6917763, 2.5%)

PreventionGenetics, part of Exact Sciences
Classification: Benign. Review status: criteria provided, single submitter. Criteria: ACMG Guidelines, 2015. Collection method: clinical testing. Allele origin: germline.

Clinical Genetics DNA and cytogenetics Diagnostics Lab, Erasmus MC, Erasmus Medical Center
Classification: Benign. Review status: no assertion criteria provided. Collection method: clinical testing. Allele origin: germline. Affected: yes. Study: VKGL Data-share Consensus. Not counted in ClinVar's aggregate classification.

Clinical Genetics, Academic Medical Center
Classification: Benign. Review status: no assertion criteria provided. Collection method: clinical testing. Allele origin: germline. Affected: yes. Study: VKGL Data-share Consensus. Not counted in ClinVar's aggregate classification.

Joint Genome Diagnostic Labs from Nijmegen and Maastricht, Radboudumc and MUMC+
Classification: Benign. Review status: no assertion criteria provided. Collection method: clinical testing. Allele origin: germline. Affected: yes. Study: VKGL Data-share Consensus. Not counted in ClinVar's aggregate classification.